The following is an entry in ClinVar:

NM_006531.5(IFT88):c.646G>A (p.Ala216Thr)

Gene: IFT88 (intraflagellar transport 88; plus strand). Cytogenetic location: 13q12.11.
Variant type: single nucleotide variant.
Coding change: c.646G>A on transcript NM_006531.5 (MANE Select); coding-DNA position 646, G replaced by A.
Protein change: p.Ala216Thr; replaces alanine 216 with threonine.
Molecular consequence: missense variant. On other transcripts: non-coding transcript variant (5).
Genome position (GRCh38, 1-based): chr13:20,598,702, G>A. VCF-style: chr13-20598702-G-A. GRCh37 (hg19) VCF-style: chr13-21172841-G-A.
Other names: c.673G>A, p.Ala225Thr (NM_001318493.2, NM_001353565.2, NM_001353566.2 and 6 more transcripts); c.646G>A, p.Ala216Thr (NM_001353568.2, NM_001353571.2, NM_001353572.2 and 1 more transcripts); c.589G>A, p.Ala197Thr (NM_001353573.2, NM_001318491.2, NM_001353574.2 and 1 more transcripts); c.13G>A, p.Ala5Thr (NM_001353579.2); short protein forms A225T, A5T, A197T, A216T.
Identifiers: ClinVar variation 4777689 (VCV004777689.1).
Genomic context (GRCh38, chr13:20,598,702, plus strand): 5'-CTTCCTTAGGTTCTTTTCAATTTGGCCAGTCAGTATTCAGTTAATGAAATGTATGCCGAA[G>A]CACTTAACACTTATCAAGTTATAGTCAAAAATAAGATGTTTAGCAATGCAGGTAAGTGTA-3'
Protein context (NP_006522.2, residues 206-226): QYSVNEMYAE[Ala216Thr]LNTYQVIVKN

ClinVar aggregate classification (germline): Uncertain significance (1 of 4 stars; one submission).

gnomAD v4.1: 7 of 1,611,128 alleles (0.00043%); highest among the groups gnomAD compares: South Asian, 0.0055%; no homozygotes.

Submission:

Labcorp Genetics (formerly Invitae), Labcorp
Classification: Uncertain significance. Last evaluated: 2025-03-28. Review status: criteria provided, single submitter. Criteria: Invitae Variant Classification Sherloc (09022015). Collection method: clinical testing. Allele origin: germline.
Comment: This sequence change replaces alanine, which is neutral and non-polar, with threonine, which is neutral and polar, at codon 225 of the IFT88 protein (p.Ala225Thr). This variant is present in population databases (rs765350470, gnomAD 0.01%). This variant has not been reported in the literature in individuals affected with IFT88-related conditions. An algorithm developed to predict the effect of missense changes on protein structure and function (PolyPhen-2) suggests that this variant is likely to be disruptive. In summary, the available evidence is currently insufficient to determine the role of this variant in disease. Therefore, it has been classified as a Variant of Uncertain Significance.